The following is an entry in ClinVar:

ClinVar aggregate classification (germline): Pathogenic/Likely pathogenic. Review status: criteria provided, multiple submitters, no conflicts (2 of 4 stars). 2 submissions from 2 submitters: Pathogenic (1); Likely pathogenic (1). Last evaluated 2025-10-21.

Conditions:
RIDDLE syndrome. Identifiers: Orphanet 420741, MedGen C2677792, MONDO:0012764, OMIM 611943.

Allele frequency attached by ClinVar (database versions not stated): ExAC 0.00002; gnomAD 0.00002 and 0.00003; gnomAD exomes 0.00002 and 0.00006; TOPMed 0.00003; ESP Exome Variant Server 0.00015.
gnomAD v4.1: 87 of 1,614,048 alleles (0.0054%); highest among the groups gnomAD compares: Non-Finnish European, 0.0071%; no homozygotes.

Submissions (2):

Labcorp Genetics (formerly Invitae), Labcorp
Classification: Pathogenic. Last evaluated: 2025-10-21. Review status: criteria provided, single submitter. Criteria: Invitae Variant Classification Sherloc (09022015). Collection method: clinical testing. Allele origin: germline.
Comment: This sequence change creates a premature translational stop signal (p.Glu138*) in the RNF168 gene. It is expected to result in an absent or disrupted protein product. Loss-of-function variants in RNF168 are known to be pathogenic (PMID: 19203578, 21394101). This variant is present in population databases (rs375915880, gnomAD 0.004%). This variant has not been reported in the literature in individuals affected with RNF168-related conditions. ClinVar contains an entry for this variant (Variation ID: 1375368). For these reasons, this variant has been classified as Pathogenic.

Revvity Omics, Revvity
Classification: Likely pathogenic for RIDDLE syndrome. Last evaluated: 2023-12-28. Review status: criteria provided, single submitter. Criteria: ACMG Guidelines, 2015. Collection method: clinical testing. Allele origin: germline.

Literature cited by the submitters: PubMed 19203578 (cited by Labcorp Genetics (formerly Invitae), Labcorp); PubMed 21394101 (cited by Labcorp Genetics (formerly Invitae), Labcorp).

NM_152617.4(RNF168):c.412G>T (p.Glu138Ter)

Gene: RNF168 (ring finger protein 168; minus strand). Cytogenetic location: 3q29.
Variant type: single nucleotide variant.
Coding change: c.412G>T on transcript NM_152617.4 (MANE Select); coding-DNA position 412, G replaced by T.
Protein change: p.Glu138Ter; replaces glutamic acid 138 with a stop codon.
Molecular consequence: nonsense.
Genome position (GRCh38, 1-based): chr3:196,487,545, C>A on the plus strand (G>T on the coding strand, the complement: RNF168 is on the minus strand). VCF-style: chr3-196487545-C-A. GRCh37 (hg19) VCF-style: chr3-196214416-C-A.
Other names: short protein forms E138*.
Identifiers: ClinVar variation 1375368 (VCV001375368.7), dbSNP rs375915880, ClinGen allele CA2780939.
Genomic context (GRCh38, chr3:196,487,545, plus strand): 5'-TTTCCTCTTCTTCCTCCTCTGCCAACAACCTCTGTATGTATTCTTCACTGGCTTTGTTTT[C>A]TTCTTCCTCGCTGGCCCGTCGCTCTGCCGCCACCTTAAAAGTGATTAATAAAGAGCAATC-3'